The following is an entry in ClinVar:

ClinVar aggregate classification (germline): Pathogenic. Review status: reviewed by expert panel (3 of 4 stars). 4 submissions from 4 submitters: Pathogenic (1). 3 of the submissions do not count toward it. Last evaluated 2025-09-05.

Conditions:
RPGR-related retinopathy. Also called: RPGR retinopathy. Identifiers: MedGen CN305589, MONDO:0100437.
Retinitis pigmentosa, X-linked, and sinorespiratory infections, with or without deafness (RPSRDF). Identifiers: Orphanet 247522, MedGen C2749137, OMIM 300455.

Submissions (4):

ClinGen X-linked Inherited Retinal Disease Variant Curation Expert Panel, ClinGen
Classification: Pathogenic for RPGR-related retinopathy. Last evaluated: 2025-09-05. Review status: reviewed by expert panel. Criteria: ClinGen X LinkedIRD ACMG Specifications RPGR V1.0.0. Collection method: curation. Allele origin: germline. Inheritance: X-linked inheritance.
Comment: NM_001034853.2(RPGR):c.469+1G>T is a canonical splice site variant in intron 5 that is predicted to induce skipping of exon 5, which is expected to disrupt a critical functional domain in RPGR (PVS1). This variant is absent from gnomAD v4.1.0 (PM2_Supporting). The variant has been reported to segregate with retinal dystrophy through at least 4 affected meioses from 2 families (PP1_Strong; PMID: 30917587, PMID: 1733835). At least one proband harboring this variant exhibits a phenotype including a family history consistent with X-linked inheritance (2 pts) including female carriers showing milder phenotypes (1 pt), childhood-onset (1 pt), reduced visual acuity (0.5 pts), night blindness (0.5 pts), nonrecordable electroretinogram responses, and genotyping by next-generation sequencing with a panel of 111 genes that did not identify an alternative basis for retinal disease (2 pts), which together are specific for RPGR-related retinopathy (7 points, PMID: 30917587, PP4). In summary, this variant is classified as pathogenic for RPGR-related retinopathy based on the ClinGen X-linked Inherited Retinal Disease Expert Panel Specifications to the ACMG/AMP Variant Interpretation Guidelines for RPGR Version 1.0.0; PVS1, PM2_Supporting, PP4, and PP1_Strong.

OMIM
Classification: Pathogenic for RETINITIS PIGMENTOSA AND SINORESPIRATORY INFECTIONS WITH OR WITHOUT DEAFNESS. Last evaluated: 1999-01-01. Review status: no assertion criteria provided. Collection method: literature only. Allele origin: germline. Not counted in ClinVar's aggregate classification.

Clinical Genetics DNA and cytogenetics Diagnostics Lab, Erasmus MC, Erasmus Medical Center
Classification: Pathogenic. Review status: no assertion criteria provided. Collection method: clinical testing. Allele origin: germline. Affected: yes. Study: VKGL Data-share Consensus. Not counted in ClinVar's aggregate classification.

Clinical Genetics, Academic Medical Center
Classification: Pathogenic. Review status: no assertion criteria provided. Collection method: clinical testing. Allele origin: germline. Affected: yes. Study: VKGL Data-share Consensus. Not counted in ClinVar's aggregate classification.

Literature cited by the submitters: PubMed 10094550 (cited by OMIM); PubMed 1733835 (cited by OMIM).

NM_001034853.2(RPGR):c.469+1G>T

Gene: RPGR (retinitis pigmentosa GTPase regulator; minus strand). Cytogenetic location: Xp11.4.
Variant type: single nucleotide variant.
Coding change: c.469+1G>T on transcript NM_001034853.2 (MANE Select); the canonical splice donor site of the intron after coding-DNA position 469, G replaced by T.
Molecular consequence: splice donor variant.
Genome position (GRCh38, 1-based): chrX:38,318,828, C>A on the plus strand (G>T on the coding strand, the complement: RPGR is on the minus strand). VCF-style: chrX-38318828-C-A. GRCh37 (hg19) VCF-style: chrX-38178081-C-A.
Other names: IVS5, G-T, +1; c.466+1G>T (NM_001367249.1); c.469+1G>T (NM_001367250.1, NM_001367245.1, NM_001367251.1 and 3 more transcripts); c.499+1G>T (NM_001367248.1).
Identifiers: ClinVar variation 9912 (VCV000009912.6), dbSNP rs62638646, ClinGen allele CA412744987.